The following is an entry in ClinVar:

ClinVar aggregate classification (germline): Uncertain significance. Review status: criteria provided, multiple submitters, no conflicts (2 of 4 stars). 2 submissions from 2 submitters: Uncertain significance (2). Last evaluated 2026-02-01.

Allele frequency attached by ClinVar (database versions not stated): ESP Exome Variant Server 0.00056; gnomAD 0.00056 and 0.00058; TOPMed 0.00059; 1000 Genomes Project 0.00060; 1000 Genomes Project 30x 0.00062.
gnomAD v4.1: 181 of 1,613,956 alleles (0.011%); highest among the groups gnomAD compares: African/African-American, 0.17%; no homozygotes.

Submissions (2):

Labcorp Genetics (formerly Invitae), Labcorp
Classification: Uncertain significance. Last evaluated: 2026-02-01. Review status: criteria provided, single submitter. Criteria: Invitae Variant Classification Sherloc (09022015). Collection method: clinical testing. Allele origin: germline.
Comment: This sequence change replaces valine, which is neutral and non-polar, with methionine, which is neutral and non-polar, at codon 1213 of the LRRK1 protein (p.Val1213Met). This variant is present in population databases (rs199624259, gnomAD 0.2%). This variant has not been reported in the literature in individuals affected with LRRK1-related conditions. ClinVar contains an entry for this variant (Variation ID: 1377696). An algorithm developed to predict the effect of missense changes on protein structure and function (PolyPhen-2) suggests that this variant is likely to be disruptive. In summary, the available evidence is currently insufficient to determine the role of this variant in disease. Therefore, it has been classified as a Variant of Uncertain Significance.

Breakthrough Genomics
Classification: Uncertain significance. Review status: criteria provided, single submitter. Criteria: ACMG Guidelines, 2015. Collection method: not provided. Allele origin: germline. Inheritance: Autosomal recessive inheritance. Affected: yes.

NM_024652.6(LRRK1):c.3637G>A (p.Val1213Met)

Genes: LRRK1 (leucine rich repeat kinase 1; plus strand), LRRK1-AS1 (LRRK1 antisense RNA 1; minus strand). Cytogenetic location: 15q26.3.
Variant type: single nucleotide variant.
Coding change: c.3637G>A on transcript NM_024652.6 (MANE Select); coding-DNA position 3637, G replaced by A.
Protein change: p.Val1213Met; replaces valine 1213 with methionine.
Molecular consequence: missense variant.
Genome position (GRCh38, 1-based): chr15:101,051,908, G>A. VCF-style: chr15-101051908-G-A. GRCh37 (hg19) VCF-style: chr15-101592113-G-A.
Other names: short protein forms V1213M.
Identifiers: ClinVar variation 1377696 (VCV001377696.6), dbSNP rs199624259, ClinGen allele CA7761583.